The following is an entry in ClinVar:

NM_000321.3(RB1):c.1037A>G (p.Asp346Gly)

Gene: RB1 (RB transcriptional corepressor 1; plus strand). Cytogenetic location: 13q14.2.
Variant type: single nucleotide variant.
Coding change: c.1037A>G on transcript NM_000321.3 (MANE Select); coding-DNA position 1037, A replaced by G.
Protein change: p.Asp346Gly; replaces aspartic acid 346 with glycine.
Molecular consequence: missense variant.
Genome position (GRCh38, 1-based): chr13:48,367,591, A>G. VCF-style: chr13-48367591-A-G. GRCh37 (hg19) VCF-style: chr13-48941727-A-G.
Other names: c.1037A>G, p.Asp346Gly (NM_001407165.1, NM_001407166.1); short protein forms D346G.
Identifiers: ClinVar variation 1772830 (VCV001772830.6), dbSNP rs1566194403, ClinGen allele CA388160922.

ClinVar aggregate classification (germline): Uncertain significance. Review status: criteria provided, multiple submitters, no conflicts (2 of 4 stars). 3 submissions from 3 submitters: Uncertain significance (3). Last evaluated 2024-10-07.

Conditions:
Hereditary cancer-predisposing syndrome. Also called: Hereditary Cancer Syndrome; Hereditary neoplastic syndrome; Neoplastic Syndromes, Hereditary; Tumor predisposition. Identifiers: Orphanet 140162, MedGen C0027672, MeSH D009386, MONDO:0015356.
Retinoblastoma (RB1). Also called: RETINOBLASTOMA, SOMATIC. Identifiers: Orphanet 790, MedGen C0035335, MeSH D012175, MONDO:0008380, OMIM 180200, HP:0009919. Disease mechanism: loss of function. Inheritance: Both sporadic and heritable forms are tested..

gnomAD v4.1: 2 of 1,604,180 alleles (0.00012%); highest among the groups gnomAD compares: Non-Finnish European, 0.00017%; no homozygotes.

Submissions (3):

Labcorp Genetics (formerly Invitae), Labcorp
Classification: Uncertain significance for Retinoblastoma. Last evaluated: 2024-10-07. Review status: criteria provided, single submitter. Criteria: Invitae Variant Classification Sherloc (09022015). Collection method: clinical testing. Allele origin: germline.
Comment: This sequence change replaces aspartic acid, which is acidic and polar, with glycine, which is neutral and non-polar, at codon 346 of the RB1 protein (p.Asp346Gly). This variant is not present in population databases (gnomAD no frequency). This variant has not been reported in the literature in individuals affected with RB1-related conditions. ClinVar contains an entry for this variant (Variation ID: 1772830). Invitae Evidence Modeling of protein sequence and biophysical properties (such as structural, functional, and spatial information, amino acid conservation, physicochemical variation, residue mobility, and thermodynamic stability) indicates that this missense variant is not expected to disrupt RB1 protein function with a negative predictive value of 80%. In summary, the available evidence is currently insufficient to determine the role of this variant in disease. Therefore, it has been classified as a Variant of Uncertain Significance.

Ambry Genetics
Classification: Uncertain significance for Hereditary cancer-predisposing syndrome. Last evaluated: 2024-07-24. Review status: criteria provided, single submitter. Criteria: Ambry Variant Classification Scheme 2023. Collection method: clinical testing. Allele origin: germline.
Comment: The p.D346G variant (also known as c.1037A>G), located in coding exon 10 of the RB1 gene, results from an A to G substitution at nucleotide position 1037. The aspartic acid at codon 346 is replaced by glycine, an amino acid with similar properties. This amino acid position is well conserved in available vertebrate species. In addition, the in silico prediction for this alteration is inconclusive. Since supporting evidence is limited at this time, the clinical significance of this alteration remains unclear.

All of Us Research Program, National Institutes of Health
Classification: Uncertain significance for Retinoblastoma. Last evaluated: 2024-02-05. Review status: criteria provided, single submitter. Criteria: ACMG Guidelines, 2015. Collection method: clinical testing. Allele origin: germline. Inheritance: Autosomal dominant inheritance. Observed: 1 variant allele, 1 heterozygote.
Comment: This missense variant replaces aspartic acid with glycine at codon 346 of the RB1 protein. Computational prediction suggests that this variant may not impact protein structure and function (internally defined REVEL score threshold <= 0.5, PMID: 27666373). To our knowledge, functional studies have not been reported for this variant. This variant has not been reported in individuals affected with RB1-related disorders in the literature. This variant has not been identified in the general population by the Genome Aggregation Database (gnomAD). The available evidence is insufficient to determine the role of this variant in disease conclusively. Therefore, this variant is classified as a Variant of Uncertain Significance.

This study involves interpretation of variants in research participants for the purpose of population health screening. Participant phenotype was not available at the time of variant classification. Additional details can be found in publication PMID: 35346344, PMCID: PMC8962531